The following is an entry in ClinVar:

ClinVar aggregate classification (germline): Uncertain significance. Review status: criteria provided, multiple submitters, no conflicts (2 of 4 stars). 2 submissions from 2 submitters: Uncertain significance (2). Last evaluated 2024-06-22.

Conditions:
Severe combined immunodeficiency due to DNA-PKcs deficiency. Also called: IMMUNODEFICIENCY 26 WITH NEUROLOGIC ABNORMALITIES; Immunodeficiency 26 with or without neurologic abnormalities. Identifiers: Orphanet 317425, MedGen C4014833, MONDO:0014423, OMIM 615966.

Allele frequency attached by ClinVar (database versions not stated): gnomAD 0.00007 and 0.00001; gnomAD exomes 0.00011 and 0.00006; ExAC 0.00013; 1000 Genomes Project 30x 0.00016; 1000 Genomes Project 0.00020; TOPMed below 0.00001.
gnomAD v4.1: 104 of 1,613,144 alleles (0.0064%); highest among the groups gnomAD compares: South Asian, 0.1%; 2 homozygotes.

Submissions (2):

Ambry Genetics
Classification: Uncertain significance. Last evaluated: 2024-06-22. Review status: criteria provided, single submitter. Criteria: Ambry Variant Classification Scheme 2023. Collection method: clinical testing. Allele origin: germline.
Comment: The p.T2620I variant (also known as c.7859C>T), located in coding exon 58 of the PRKDC gene, results from a C to T substitution at nucleotide position 7859. The threonine at codon 2620 is replaced by isoleucine, an amino acid with similar properties. This amino acid position is conserved. Based on the available evidence, the clinical significance of this variant remains unclear.

Labcorp Genetics (formerly Invitae), Labcorp
Classification: Uncertain significance for Immunodeficiency 26 with or without neurologic abnormalities. Last evaluated: 2019-02-28. Review status: criteria provided, single submitter. Criteria: Invitae Variant Classification Sherloc (09022015). Collection method: clinical testing. Allele origin: germline.
Comment: This sequence change replaces threonine with isoleucine at codon 2620 of the PRKDC protein (p.Thr2620Ile). The threonine residue is weakly conserved and there is a moderate physicochemical difference between threonine and isoleucine. This variant is present in population databases (rs576969654, ExAC 0.1%). This variant has not been reported in the literature in individuals with PRKDC-related conditions. Algorithms developed to predict the effect of missense changes on protein structure and function are either unavailable or do not agree on the potential impact of this missense change (SIFT: "Tolerated"; Align-GVGD: "Class C0"). In summary, the available evidence is currently insufficient to determine the role of this variant in disease. Therefore, it has been classified as a Variant of Uncertain Significance.

NM_006904.7(PRKDC):c.7859C>T (p.Thr2620Ile)

Gene: PRKDC (protein kinase, DNA-activated, catalytic subunit; minus strand). Cytogenetic location: 8q11.21.
Variant type: single nucleotide variant.
Coding change: c.7859C>T on transcript NM_006904.7 (MANE Select); coding-DNA position 7859, C replaced by T.
Protein change: p.Thr2620Ile; replaces threonine 2620 with isoleucine.
Molecular consequence: missense variant.
Genome position (GRCh38, 1-based): chr8:47,836,430, G>A on the plus strand (C>T on the coding strand, the complement: PRKDC is on the minus strand). VCF-style: chr8-47836430-G-A. GRCh37 (hg19) VCF-style: chr8-48748991-G-A.
Other names: c.7859C>T, p.Thr2620Ile (NM_001081640.2); short protein forms T2620I.
Identifiers: ClinVar variation 834211 (VCV000834211.2), dbSNP rs576969654, ClinGen allele CA4740001.
Genomic context (GRCh38, chr8:47,836,430, plus strand): 5'-TGCTGGGTGGCCCTTATCTGCCCTGCCACTGGCCAGCGAGCTGAGAGGGACCCTTCCTGG[G>A]TACGGGTCTGGAGAGTGCCCTGGGAGGCCTGGGTCTCCACAAACATCGGAGTGAGAACAG-3'
Protein context (NP_008835.5, residues 2610-2630): QASQGTLQTR[Thr2620Ile]QEGSLSARWP